The following is an entry in ClinVar:

ClinVar aggregate classification (germline): Uncertain significance. Review status: criteria provided, multiple submitters, no conflicts (2 of 4 stars). 2 submissions from 2 submitters: Uncertain significance (2). Last evaluated 2024-10-31.

Conditions:
Cardiovascular phenotype. Identifiers: MedGen CN230736.
Hereditary cancer-predisposing syndrome. Also called: Neoplastic Syndromes, Hereditary; Tumor predisposition; Hereditary neoplastic syndrome; Hereditary Cancer Syndrome. Identifiers: Orphanet 140162, MedGen C0027672, MeSH D009386, MONDO:0015356.
Neurofibromatosis, type 1 (NF1). Also called: Peripheral type neurofibromatosis; VON RECKLINGHAUSEN DISEASE; NEUROFIBROMATOSIS, TYPE I, SOMATIC; Neurofibromatosis, type I. Identifiers: Orphanet 636, MedGen C0027831, MONDO:0018975, OMIM 162200. Disease mechanism: loss of function.

Allele frequency attached by ClinVar (database versions not stated): gnomAD exomes below 0.00001.
gnomAD v4.1: 1 of 1,614,098 alleles (0.000062%); highest among the groups gnomAD compares: Non-Finnish European, 0.000085%; no homozygotes.

Submissions (2):

Labcorp Genetics (formerly Invitae), Labcorp
Classification: Uncertain significance for Neurofibromatosis, type 1. Last evaluated: 2024-10-31. Review status: criteria provided, single submitter. Criteria: Invitae Variant Classification Sherloc (09022015). Collection method: clinical testing. Allele origin: germline.
Comment: This sequence change replaces leucine, which is neutral and non-polar, with arginine, which is basic and polar, at codon 2755 of the NF1 protein (p.Leu2755Arg). This variant is not present in population databases (gnomAD no frequency). This variant has not been reported in the literature in individuals affected with NF1-related conditions. ClinVar contains an entry for this variant (Variation ID: 1762679). Invitae Evidence Modeling of protein sequence and biophysical properties (such as structural, functional, and spatial information, amino acid conservation, physicochemical variation, residue mobility, and thermodynamic stability) indicates that this missense variant is not expected to disrupt NF1 protein function with a negative predictive value of 95%. In summary, the available evidence is currently insufficient to determine the role of this variant in disease. Therefore, it has been classified as a Variant of Uncertain Significance.

Ambry Genetics
Classification: Uncertain significance for Cardiovascular phenotype; Hereditary cancer-predisposing syndrome. Last evaluated: 2021-04-23. Review status: criteria provided, single submitter. Criteria: Ambry Variant Classification Scheme 2023. Collection method: clinical testing. Allele origin: germline.
Comment: The p.L2755R variant (also known as c.8264T>G), located in coding exon 56 of the NF1 gene, results from a T to G substitution at nucleotide position 8264. The leucine at codon 2755 is replaced by arginine, an amino acid with dissimilar properties. This amino acid position is highly conserved in available vertebrate species. In addition, the in silico prediction for this alteration is inconclusive. Since supporting evidence is limited at this time, the clinical significance of this alteration remains unclear.

NM_001042492.3(NF1):c.8327T>G (p.Leu2776Arg)

Gene: NF1 (neurofibromin 1; plus strand). Cytogenetic location: 17q11.2.
Variant type: single nucleotide variant.
Coding change: c.8327T>G on transcript NM_001042492.3 (MANE Select); coding-DNA position 8327, T replaced by G.
Protein change: p.Leu2776Arg; replaces leucine 2776 with arginine.
Molecular consequence: missense variant.
Genome position (GRCh38, 1-based): chr17:31,360,653, T>G. VCF-style: chr17-31360653-T-G. GRCh37 (hg19) VCF-style: chr17-29687671-T-G.
Other names: c.8264T>G, p.Leu2755Arg (NM_000267.4); short protein forms L2755R, L2776R.
Identifiers: ClinVar variation 1762679 (VCV001762679.4), dbSNP rs2151588148, ClinGen allele CA399204975.